The following is an entry in ClinVar:

ClinVar aggregate classification (germline): Pathogenic. Review status: criteria provided, multiple submitters, no conflicts (2 of 4 stars). 3 submissions from 3 submitters: Pathogenic (3). Last evaluated 2025-01-10.

Conditions:
Seizure. Also called: Seizures. Identifiers: MedGen C0036572, HP:0001250.

Submissions (3):

Cytogénomique, Hospices Civils de Lyon
Classification: Pathogenic for Seizure. Last evaluated: 2025-01-10. Review status: criteria provided, single submitter. Criteria: ACMG Guidelines, 2015. Collection method: clinical testing. Allele origin: unknown. Affected: yes.

GeneDx
Classification: Pathogenic. Last evaluated: 2018-05-25. Review status: criteria provided, single submitter. Criteria: GeneDx Variant Classification (06012015). Collection method: clinical testing. Allele origin: germline. Affected: yes.
Comment: The c.4284+2 T>C splice site variant in the SCN1A gene has been previously reported in association with Dravet syndrome (Wang et al., 2012; Xiong et al., 2016). This pathogenic variant destroys the canonical splice donor site in intron 21, and is expected to cause abnormal gene splicing. This variant is predicted to be within the pore forming loop between the S5 and S6 transmembrane segments of the third homologous domain. Additionally, the c.4284+2 T>C variant is not observed in large population cohorts (Lek et al., 2016). Furthermore, nearby splice site variants in this intron have been reported in the Human Gene Mutation Database in individuals with SCN1A-related disorders (Stenson et al., 2014). Therefore, the presence of this variant is consistent with the diagnosis of an SCN1A-related disorder in this individual.

Eurofins Ntd Llc (ga)
Classification: Pathogenic. Last evaluated: 2013-06-19. Review status: criteria provided, single submitter. Criteria: EGL Classification Definitions 2015. Collection method: clinical testing. Allele origin: germline. Observed: 1 variant allele, 1 heterozygote.

Literature cited by the submitters: PubMed 23195492 (cited by Eurofins Ntd Llc (ga)).

NM_001165963.4(SCN1A):c.4284+2T>C

Genes: SCN1A (sodium voltage-gated channel alpha subunit 1; minus strand), LOC102724058 (uncharacterized LOC102724058; plus strand). Cytogenetic location: 2q24.3.
Variant type: single nucleotide variant.
Coding change: c.4284+2T>C on transcript NM_001165963.4 (MANE Select); the canonical splice donor site of the intron after coding-DNA position 4284, T replaced by C.
Molecular consequence: splice donor variant.
Genome position (GRCh38, 1-based): chr2:166,002,470, A>G on the plus strand (T>C on the coding strand, the complement: SCN1A is on the minus strand). VCF-style: chr2-166002470-A-G. GRCh37 (hg19) VCF-style: chr2-166858980-A-G.
Other names: c.4251+2T>C (NM_001353949.2, NM_001353950.2, NM_001353951.2 and 2 more transcripts); c.4200+2T>C (NM_001353958.2, NM_001353957.2, NM_001165964.3); c.4284+2T>C (NM_001202435.3, NM_001353948.2); c.4248+2T>C (NM_001353955.2, NM_001353954.2); c.4197+2T>C (NM_001353960.2); c.1842+2T>C (NM_001353961.2).
Identifiers: ClinVar variation 93651 (VCV000093651.7), dbSNP rs398123595, ClinGen allele CA266845.
Genomic context (GRCh38, chr2:166,002,470, plus strand): 5'-TGTCATTATTTTGTTATTATTCCAAACAATAAAAATATTCAGAGAAAATAGTGTTCACTT[A>G]CAACTTGAAGCAAAGAGAGATACCCAAATCCTACATTATCAAAGTTTACTTTCACATTTT-3'